The following is an entry in ClinVar:

ClinVar aggregate classification (germline): Uncertain significance (1 of 4 stars; one submission).

Submission:

Ambry Genetics
Classification: Uncertain significance. Last evaluated: 2025-04-18. Review status: criteria provided, single submitter. Criteria: Ambry Variant Classification Scheme 2023. Collection method: clinical testing. Allele origin: germline.
Comment: The p.S264N variant (also known as c.791G>A), located in coding exon 2 of the WNK2 gene, results from a G to A substitution at nucleotide position 791. The serine at codon 264 is replaced by asparagine, an amino acid with highly similar properties. This amino acid position is conserved. In addition, this alteration is predicted to be tolerated by in silico analysis. Based on the available evidence, the clinical significance of this variant remains unclear.

NM_006648.4(WNK2):c.791G>A (p.Ser264Asn)

Gene: WNK2 (WNK lysine deficient protein kinase 2; plus strand). Cytogenetic location: 9q22.31.
Variant type: single nucleotide variant.
Coding change: c.791G>A on transcript NM_006648.4 (MANE Select); coding-DNA position 791, G replaced by A.
Protein change: p.Ser264Asn; replaces serine 264 with asparagine.
Molecular consequence: missense variant.
Genome position (GRCh38, 1-based): chr9:93,229,805, G>A. VCF-style: chr9-93229805-G-A. GRCh37 (hg19) VCF-style: chr9-95992087-G-A.
Other names: c.791G>A, p.Ser264Asn (NM_001282394.3); short protein forms S264N.
Identifiers: ClinVar variation 3981905 (VCV003981905.1).